The following is an entry in ClinVar:

ClinVar aggregate classification (germline): Uncertain significance (1 of 4 stars; one submission).

Conditions:
Dyskeratosis congenita, autosomal dominant 1 (DKCA1). Also called: Dyskeratosis congenita Scoggins type. Identifiers: Orphanet 1775, MedGen C4551974, MONDO:0007485, OMIM 127550. Inheritance: Variable.

Allele frequency attached by ClinVar (database versions not stated): TOPMed 0.00001.
gnomAD v4.1: 2 of 765,178 alleles (0.00026%); highest among the groups gnomAD compares: Non-Finnish European, 0.00048%; no homozygotes.

Submission:

Labcorp Genetics (formerly Invitae), Labcorp
Classification: Uncertain significance for Dyskeratosis congenita, autosomal dominant 1. Last evaluated: 2022-12-16. Review status: criteria provided, single submitter. Criteria: Invitae Variant Classification Sherloc (09022015). Collection method: clinical testing. Allele origin: germline.
Comment: This variant is not present in population databases (gnomAD no frequency). This variant has not been reported in the literature in individuals affected with TERC-related conditions. This variant is located at the 5’ end of the TERC RNA component (PMID: 15082312, 21844345). The functional significance of this region is not well understood. In summary, the available evidence is currently insufficient to determine the role of this variant in disease. Therefore, it has been classified as a Variant of Uncertain Significance. This variant occurs in the TERC gene, which encodes an RNA molecule that does not result in a protein product.

Literature cited by the submitters: PubMed 15082312; PubMed 21844345.

NC_000003.12:g.169765030C>A

Genes: TERC (telomerase RNA component; minus strand), LOC110806306 (telomerase RNA component (TERC) promoter; plus strand). Cytogenetic location: 3q26.2.
Variant type: single nucleotide variant.
Genome position: GRCh38 VCF-style: chr3-169765030-C-A. GRCh37 (hg19) VCF-style: chr3-169482818-C-A.
Identifiers: ClinVar variation 2902363 (VCV002902363.3), dbSNP rs1446625124, ClinGen allele CA436716000.
Genomic context (GRCh38, chr3:169,765,030, plus strand): 5'-CGGGGAGCAAAAGCACGGCGCCTACGCCCTTCTCAGTTAGGGTTAGACAAAAAATGGCCA[C>A]CACCCCTCCCAGGCCCACCCTCCGCAACCCGGTGCGCTGCCGGGCGAGTCGGCTTATAAA-3'